The following is an entry in ClinVar:

NM_015512.5(DNAH1):c.12595T>C (p.Trp4199Arg)

Gene: DNAH1 (dynein axonemal heavy chain 1; plus strand). Cytogenetic location: 3p21.1.
Variant type: single nucleotide variant.
Coding change: c.12595T>C on transcript NM_015512.5 (MANE Select); coding-DNA position 12595, T replaced by C.
Protein change: p.Trp4199Arg; replaces tryptophan 4199 with arginine.
Molecular consequence: missense variant.
Genome position (GRCh38, 1-based): chr3:52,399,698, T>C. VCF-style: chr3-52399698-T-C. GRCh37 (hg19) VCF-style: chr3-52433714-T-C.
Other names: short protein forms W4199R.
Identifiers: ClinVar variation 650289 (VCV000650289.6), dbSNP rs1578213024, ClinGen allele CA353088062.

ClinVar aggregate classification (germline): Uncertain significance (1 of 4 stars; one submission).

Conditions:
Spermatogenic failure 18. Identifiers: MedGen C4539783, MONDO:0054615, OMIM 617576.
Ciliary dyskinesia, primary, 37 (CILD37). Also called: CILIARY DYSKINESIA, PRIMARY, 37, WITH OR WITHOUT SITUS INVERSUS. Identifiers: MedGen C4539798, MONDO:0033204, OMIM 617577.

Allele frequency attached by ClinVar (database versions not stated): gnomAD exomes below 0.00001.
gnomAD v4.1: 2 of 1,614,062 alleles (0.00012%); highest among the groups gnomAD compares: Non-Finnish European, 0.000085%; no homozygotes.

Submission:

Labcorp Genetics (formerly Invitae), Labcorp
Classification: Uncertain significance for Ciliary dyskinesia, primary, 37; Spermatogenic failure 18. Last evaluated: 2018-12-20. Review status: criteria provided, single submitter. Criteria: Invitae Variant Classification Sherloc (09022015). Collection method: clinical testing. Allele origin: germline.
Comment: In summary, the available evidence is currently insufficient to determine the role of this variant in disease. Therefore, it has been classified as a Variant of Uncertain Significance. Algorithms developed to predict the effect of missense changes on protein structure and function are either unavailable or do not agree on the potential impact of this missense change (SIFT: "Deleterious"; PolyPhen-2: "Benign"; Align-GVGD: "Class C0"). This variant has not been reported in the literature in individuals with DNAH1-related conditions. This variant is not present in population databases (ExAC no frequency). This sequence change replaces tryptophan with arginine at codon 4199 of the DNAH1 protein (p.Trp4199Arg). The tryptophan residue is highly conserved and there is a moderate physicochemical difference between tryptophan and arginine.